The following is an entry in ClinVar:

NM_007078.3(LDB3):c.1973A>G (p.Glu658Gly)

Gene: LDB3 (LIM domain binding 3; plus strand). Cytogenetic location: 10q23.2.
Variant type: single nucleotide variant.
Coding change: c.1973A>G on transcript NM_007078.3 (MANE Select); coding-DNA position 1973, A replaced by G.
Protein change: p.Glu658Gly; replaces glutamic acid 658 with glycine.
Molecular consequence: missense variant.
Genome position (GRCh38, 1-based): chr10:86,718,842, A>G. VCF-style: chr10-86718842-A-G. GRCh37 (hg19) VCF-style: chr10-88478599-A-G.
Other names: c.1643A>G, p.Glu548Gly (NM_001080114.2); c.1988A>G, p.Glu663Gly (NM_001171610.2); c.1784A>G, p.Glu595Gly (NM_001368064.1, NM_001368065.1); c.1832A>G, p.Glu611Gly (NM_001368066.1); short protein forms E663G, E548G, E595G, E611G, E658G.
Identifiers: ClinVar variation 3642741 (VCV003642741.2).

ClinVar aggregate classification (germline): Uncertain significance (1 of 4 stars; one submission).

Conditions:
Myofibrillar myopathy 4. Also called: Zaspopathy (type). Identifiers: Orphanet 98912, MedGen C4721886, MONDO:0012277, OMIM 609452.

gnomAD v4.1: 8 of 1,614,134 alleles (0.0005%); no homozygotes.

Submission:

Labcorp Genetics (formerly Invitae), Labcorp
Classification: Uncertain significance for Myofibrillar myopathy 4. Last evaluated: 2024-02-23. Review status: criteria provided, single submitter. Criteria: Invitae Variant Classification Sherloc (09022015). Collection method: clinical testing. Allele origin: germline.
Comment: The LDB3 gene has multiple clinically relevant transcripts. This variant occurs in alternate transcript NM_007078.3, and corresponds to NM_001080116.1:c.*19468A>G (Non-coding) in the primary transcript. This sequence change replaces glutamic acid, which is acidic and polar, with glycine, which is neutral and non-polar, at codon 658 of the LDB3 protein (p.Glu658Gly). This variant is present in population databases (rs768591342, gnomAD 0.01%). This variant has not been reported in the literature in individuals affected with LDB3-related conditions. Experimental studies and prediction algorithms are not available or were not evaluated, and the functional significance of this variant is currently unknown. In summary, the available evidence is currently insufficient to determine the role of this variant in disease. Therefore, it has been classified as a Variant of Uncertain Significance.